The following is an entry in ClinVar:

NM_182961.4(SYNE1):c.16288C>T (p.Leu5430Phe)

Gene: SYNE1 (spectrin repeat containing nuclear envelope protein 1; minus strand). Cytogenetic location: 6q25.2.
Variant type: single nucleotide variant.
Coding change: c.16288C>T on transcript NM_182961.4 (MANE Select); coding-DNA position 16288, C replaced by T.
Protein change: p.Leu5430Phe; replaces leucine 5430 with phenylalanine.
Molecular consequence: missense variant.
Genome position (GRCh38, 1-based): chr6:152,318,964, G>A on the plus strand (C>T on the coding strand, the complement: SYNE1 is on the minus strand). VCF-style: chr6-152318964-G-A. GRCh37 (hg19) VCF-style: chr6-152640099-G-A.
Other names: c.16075C>T, p.Leu5359Phe (NM_033071.5); short protein forms L5359F, L5430F.
Identifiers: ClinVar variation 955386 (VCV000955386.10), dbSNP rs377227289, ClinGen allele CA4055554.

ClinVar aggregate classification (germline): Uncertain significance (1 of 4 stars; one submission).

Conditions:
Autosomal recessive ataxia, Beauce type. Also called: Spinocerebellar ataxia, autosomal recessive 8; ATAXIA, RECESSIVE, OF BEAUCE; SYNE1-Related Autosomal Recessive Cerebellar Ataxia; SYNE1 Deficiency. Identifiers: Orphanet 88644, MedGen C1853116, MONDO:0012549, OMIM 610743.
Emery-Dreifuss muscular dystrophy 4, autosomal dominant (EDMD4). Also called: EMERY-DREIFUSS MUSCULAR DYSTROPHY 4 WITH VARIABLE FEATURES. Identifiers: Orphanet 261, MedGen C2751807, MONDO:0013071, OMIM 612998.

Allele frequency attached by ClinVar (database versions not stated): gnomAD exomes below 0.00001 and 0.00001; ExAC 0.00001; gnomAD 0.00002 and 0.00005; TOPMed 0.00002; 1000 Genomes Project 0.00020; 1000 Genomes Project 30x 0.00031.
gnomAD v4.1: 17 of 1,614,200 alleles (0.0011%); highest among the groups gnomAD compares: East Asian, 0.02%; no homozygotes.

Submission:

Labcorp Genetics (formerly Invitae), Labcorp
Classification: Uncertain significance for Emery-Dreifuss muscular dystrophy 4, autosomal dominant; Autosomal recessive ataxia, Beauce type. Last evaluated: 2019-10-24. Review status: criteria provided, single submitter. Criteria: Invitae Variant Classification Sherloc (09022015). Collection method: clinical testing. Allele origin: germline.
Comment: In summary, the available evidence is currently insufficient to determine the role of this variant in disease. Therefore, it has been classified as a Variant of Uncertain Significance. Algorithms developed to predict the effect of missense changes on protein structure and function output the following: SIFT: "Tolerated"; PolyPhen-2: "Benign"; Align-GVGD: "Class C0". The phenylalanine amino acid residue is found in multiple mammalian species, suggesting that this missense change does not adversely affect protein function. These predictions have not been confirmed by published functional studies and their clinical significance is uncertain. This variant has not been reported in the literature in individuals with SYNE1-related disease. This variant is present in population databases (rs377227289, ExAC 0.01%). This sequence change replaces leucine with phenylalanine at codon 5359 of the SYNE1 protein (p.Leu5359Phe). The leucine residue is weakly conserved and there is a small physicochemical difference between leucine and phenylalanine.